The following is an entry in ClinVar:

ClinVar aggregate classification (germline): Benign/Likely benign. Review status: criteria provided, multiple submitters, no conflicts (2 of 4 stars). 2 submissions from 2 submitters: Benign (1); Likely benign (1). Last evaluated 2026-05-21.

Conditions:
ABCA1-related disorder. Also called: ABCA1-related disorders; ABCA1-related condition. Identifiers: MedGen CN239173.

Allele frequency attached by ClinVar (database versions not stated): gnomAD exomes 0.00005 and 0.00012; ExAC 0.00014; 1000 Genomes Project 30x 0.00016; 1000 Genomes Project 0.00020; gnomAD 0.00052 and 0.00056; TOPMed 0.00054; ESP Exome Variant Server 0.00100.
gnomAD v4.1: 160 of 1,613,658 alleles (0.0099%); highest among the groups gnomAD compares: African/African-American, 0.2%; no homozygotes.

Submissions (2):

PreventionGenetics, part of Exact Sciences
Classification: Likely benign for ABCA1-related condition. Last evaluated: 2026-05-21. Review status: criteria provided, single submitter. Criteria: ACMG Guidelines, 2015. Collection method: clinical testing. Allele origin: germline.
Comment: This variant is classified as likely benign based on ACMG/AMP sequence variant interpretation guidelines (Richards et al. 2015 PMID: 25741868, with internal and published modifications).

Labcorp Genetics (formerly Invitae), Labcorp
Classification: Benign. Last evaluated: 2025-03-30. Review status: criteria provided, single submitter. Criteria: Invitae Variant Classification Sherloc (09022015). Collection method: clinical testing. Allele origin: germline.

NM_005502.4(ABCA1):c.742C>G (p.Pro248Ala)

Gene: ABCA1 (ATP binding cassette subfamily A member 1; minus strand). Cytogenetic location: 9q31.1.
Variant type: single nucleotide variant.
Coding change: c.742C>G on transcript NM_005502.4 (MANE Select); coding-DNA position 742, C replaced by G.
Protein change: p.Pro248Ala; replaces proline 248 with alanine.
Molecular consequence: missense variant.
Genome position (GRCh38, 1-based): chr9:104,845,548, G>C on the plus strand (C>G on the coding strand, the complement: ABCA1 is on the minus strand). VCF-style: chr9-104845548-G-C. GRCh37 (hg19) VCF-style: chr9-107607829-G-C.
Other names: c.742C>G (NM_005502.3); short protein forms P248A.
Identifiers: ClinVar variation 1601510 (VCV001601510.9), dbSNP rs142625938, ClinGen allele CA5169226.
Genomic context (GRCh38, chr9:104,845,548, plus strand): 5'-GAGTCCCAAGACTATGCAGCAATGTTTTTGTGGCTTCAGCCAGCTCCTTGCTCGGGAAGG[G>C]AGATGTAGAGTTTAGTGTTCTCTGTAATGAGAAAGAAAACTTTGTTTCTGAATTCAAATG-3'
Protein context (NP_005493.2, residues 238-258): PILRTLNSTS[Pro248Ala]FPSKELAEAT